The following is an entry in ClinVar:

NM_198334.3(GANAB):c.833G>A (p.Arg278His)

Gene: GANAB (glucosidase II alpha subunit; minus strand). Cytogenetic location: 11q12.3.
Variant type: single nucleotide variant.
Coding change: c.833G>A on transcript NM_198334.3 (MANE Select); coding-DNA position 833, G replaced by A.
Protein change: p.Arg278His; replaces arginine 278 with histidine.
Molecular consequence: missense variant.
Genome position (GRCh38, 1-based): chr11:62,632,728, C>T on the plus strand (G>A on the coding strand, the complement: GANAB is on the minus strand). VCF-style: chr11-62632728-C-T. GRCh37 (hg19) VCF-style: chr11-62400200-C-T.
Other names: c.557G>A, p.Arg186His (NM_001278192.2); c.491G>A, p.Arg164His (NM_001278193.2); c.542G>A, p.Arg181His (NM_001278194.2, NM_001329222.2, NM_001329223.2); c.110G>A, p.Arg37His (NM_001329224.2, NM_001329225.2); c.899G>A, p.Arg300His (NM_198335.4); short protein forms R164H, R181H, R186H, R278H, R300H, R37H.
Identifiers: ClinVar variation 3236260 (VCV003236260.1), dbSNP rs764430907, ClinGen allele CA380994904.

ClinVar aggregate classification (germline): Uncertain significance (1 of 4 stars; one submission).

Conditions:
Polycystic kidney disease 3 with or without polycystic liver disease. Also called: POLYCYSTIC KIDNEY DISEASE, ADULT, TYPE III; Polycystic kidney disease 3; Polycystic Kidney and/or Polycystic Liver Disease 3. Identifiers: MedGen C3887964, MONDO:0010916, OMIM 600666.

Submission:

MVZ Medizinische Genetik Mainz
Classification: Uncertain significance for Polycystic kidney disease 3 with or without polycystic liver disease. Last evaluated: 2024-02-20. Review status: criteria provided, single submitter. Criteria: UK Practice Guidelines For Variant Classification V4 01 2020. Collection method: clinical testing. Allele origin: germline. Inheritance: Autosomal dominant inheritance. Affected: yes. Observed: 1 variant allele.
Comment: ACMG Criteria: PP3_MOD,PM2_SUP